The following is an entry in ClinVar:

NM_001130438.3(SPTAN1):c.1338C>G (p.Ser446=)

Gene: SPTAN1 (spectrin alpha, non-erythrocytic 1; plus strand). Cytogenetic location: 9q34.11.
Variant type: single nucleotide variant.
Coding change: c.1338C>G on transcript NM_001130438.3 (MANE Select); coding-DNA position 1338, C replaced by G.
Protein change: p.Ser446=; no amino-acid change (serine 446 retained).
Molecular consequence: synonymous variant.
Genome position (GRCh38, 1-based): chr9:128,580,936, C>G. VCF-style: chr9-128580936-C-G. GRCh37 (hg19) VCF-style: chr9-131343215-C-G.
Other names: c.1338C>G, p.Ser446= (NM_001195532.2, NM_001363759.2, NM_001363765.2 and 1 more transcripts).
Identifiers: ClinVar variation 682438 (VCV000682438.3), dbSNP rs185614333, ClinGen allele CA467296629.

ClinVar aggregate classification (germline): Likely benign. Review status: criteria provided, multiple submitters, no conflicts (2 of 4 stars). 2 submissions from 2 submitters: Likely benign (2). Last evaluated 2024-04-15.

Conditions:
Early-infantile DEE. Also called: Early infantile epileptic encephalopathy with suppression bursts; Early infantile epileptic encephalopathy; Ohtahara syndrome. Identifiers: Orphanet 1934, MedGen C0393706, MONDO:0800491.

gnomAD v4.1: 1 of 1,613,238 alleles (0.000062%); highest among the groups gnomAD compares: Non-Finnish European, 0.000085%; no homozygotes.

Submissions (2):

Labcorp Genetics (formerly Invitae), Labcorp
Classification: Likely benign for Early-infantile DEE. Last evaluated: 2024-04-15. Review status: criteria provided, single submitter. Criteria: Invitae Variant Classification Sherloc (09022015). Collection method: clinical testing. Allele origin: germline.

GeneDx
Classification: Likely benign. Last evaluated: 2018-04-27. Review status: criteria provided, single submitter. Criteria: GeneDx Variant Classification (06012015). Collection method: clinical testing. Allele origin: germline. Affected: yes.
Comment: This variant is considered likely benign or benign based on one or more of the following criteria: it is a conservative change, it occurs at a poorly conserved position in the protein, it is predicted to be benign by multiple in silico algorithms, and/or has population frequency not consistent with disease.